The following is an entry in ClinVar:

ClinVar aggregate classification (germline): Uncertain significance (1 of 4 stars; one submission).

Conditions:
T-cell immunodeficiency, congenital alopecia, and nail dystrophy. Also called: Congenital alopecia and nail dystrophy associated with severe functional T-cell immunodeficiency; Pignata Guarino syndrome. Identifiers: Orphanet 169095, MedGen C1866426, MONDO:0011132, OMIM 601705.

gnomAD v4.1: 4 of 1,613,840 alleles (0.00025%); highest among the groups gnomAD compares: Non-Finnish European, 0.00034%; no homozygotes.

Submission:

Labcorp Genetics (formerly Invitae), Labcorp
Classification: Uncertain significance for T-cell immunodeficiency, congenital alopecia, and nail dystrophy. Last evaluated: 2024-03-01. Review status: criteria provided, single submitter. Criteria: Invitae Variant Classification Sherloc (09022015). Collection method: clinical testing. Allele origin: germline.
Comment: This sequence change replaces alanine, which is neutral and non-polar, with glutamic acid, which is acidic and polar, at codon 414 of the FOXN1 protein (p.Ala414Glu). This variant is present in population databases (rs750761025, gnomAD 0.002%). This variant has not been reported in the literature in individuals affected with FOXN1-related conditions. Advanced modeling of protein sequence and biophysical properties (such as structural, functional, and spatial information, amino acid conservation, physicochemical variation, residue mobility, and thermodynamic stability) performed at Invitae indicates that this missense variant is not expected to disrupt FOXN1 protein function with a negative predictive value of 80%. In summary, the available evidence is currently insufficient to determine the role of this variant in disease. Therefore, it has been classified as a Variant of Uncertain Significance.

NM_001369369.1(FOXN1):c.1241C>A (p.Ala414Glu)

Gene: FOXN1 (forkhead box N1; plus strand). Cytogenetic location: 17q11.2.
Variant type: single nucleotide variant.
Coding change: c.1241C>A on transcript NM_001369369.1 (MANE Select); coding-DNA position 1241, C replaced by A.
Protein change: p.Ala414Glu; replaces alanine 414 with glutamic acid.
Molecular consequence: missense variant.
Genome position (GRCh38, 1-based): chr17:28,534,812, C>A. VCF-style: chr17-28534812-C-A. GRCh37 (hg19) VCF-style: chr17-26861830-C-A.
Other names: c.1241C>A, p.Ala414Glu (NM_003593.3); short protein forms A414E.
Identifiers: ClinVar variation 3634882 (VCV003634882.2).